The following is an entry in ClinVar:

ClinVar aggregate classification (germline): Uncertain significance. Review status: criteria provided, multiple submitters, no conflicts (2 of 4 stars). 2 submissions from 2 submitters: Uncertain significance (2). Last evaluated 2024-07-19.

Conditions:
Hereditary cancer-predisposing syndrome. Also called: Neoplastic Syndromes, Hereditary; Hereditary neoplastic syndrome; Hereditary Cancer Syndrome; Tumor predisposition. Identifiers: Orphanet 140162, MedGen C0027672, MeSH D009386, MONDO:0015356.
POLD1-related polyposis and colorectal cancer syndrome (CRCS10). Also called: Colorectal cancer, susceptibility to, 10; Colorectal cancer 10; COLORECTAL CANCER, SUSCEPTIBILITY TO, ON CHROMOSOME 19q. Identifiers: Orphanet 220460, MedGen C2675481, MONDO:0012953, OMIM 612591.

Allele frequency attached by ClinVar (database versions not stated): gnomAD exomes below 0.00001; ExAC 0.00005.
gnomAD v4.1: 2 of 1,556,566 alleles (0.00013%); highest among the groups gnomAD compares: South Asian, 0.0012%; no homozygotes.

Submissions (2):

Labcorp Genetics (formerly Invitae), Labcorp
Classification: Uncertain significance for POLD1-related polyposis and colorectal cancer syndrome. Last evaluated: 2024-07-19. Review status: criteria provided, single submitter. Criteria: Invitae Variant Classification Sherloc (09022015). Collection method: clinical testing. Allele origin: germline.
Comment: This sequence change replaces aspartic acid, which is acidic and polar, with asparagine, which is neutral and polar, at codon 376 of the POLD1 protein (p.Asp376Asn). The frequency data for this variant in the population databases is considered unreliable, as metrics indicate poor data quality at this position in the gnomAD database. This variant has not been reported in the literature in individuals affected with POLD1-related conditions. ClinVar contains an entry for this variant (Variation ID: 408042). Advanced modeling of protein sequence and biophysical properties (such as structural, functional, and spatial information, amino acid conservation, physicochemical variation, residue mobility, and thermodynamic stability) performed at Invitae indicates that this missense variant is not expected to disrupt POLD1 protein function with a negative predictive value of 80%. In summary, the available evidence is currently insufficient to determine the role of this variant in disease. Therefore, it has been classified as a Variant of Uncertain Significance.

Ambry Genetics
Classification: Uncertain significance for Hereditary cancer-predisposing syndrome. Last evaluated: 2022-02-06. Review status: criteria provided, single submitter. Criteria: Ambry Variant Classification Scheme 2023. Collection method: clinical testing. Allele origin: germline.
Comment: The p.D376N variant (also known as c.1126G>A), located in coding exon 8 of the POLD1 gene, results from a G to A substitution at nucleotide position 1126. The aspartic acid at codon 376 is replaced by asparagine, an amino acid with highly similar properties. This amino acid position is conserved. In addition, this alteration is predicted to be tolerated by in silico analysis. Since supporting evidence is limited at this time, the clinical significance of this alteration remains unclear.

NM_002691.4(POLD1):c.1126G>A (p.Asp376Asn)

Gene: POLD1 (DNA polymerase delta 1, catalytic subunit; plus strand). Cytogenetic location: 19q13.33.
Variant type: single nucleotide variant.
Coding change: c.1126G>A on transcript NM_002691.4 (MANE Select); coding-DNA position 1126, G replaced by A.
Protein change: p.Asp376Asn; replaces aspartic acid 376 with asparagine.
Molecular consequence: missense variant. On other transcripts: non-coding transcript variant (1).
Genome position (GRCh38, 1-based): chr19:50,403,208, G>A. VCF-style: chr19-50403208-G-A. GRCh37 (hg19) VCF-style: chr19-50906465-G-A.
Other names: c.1126G>A, p.Asp376Asn (NM_001256849.1, NM_001308632.1); short protein forms D376N.
Identifiers: ClinVar variation 408042 (VCV000408042.11), dbSNP rs773891726, ClinGen allele CA9596024.
Genomic context (GRCh38, chr19:50,403,208, plus strand): 5'-ACCCTGCGGCCCTGTGCCCCCATCCTGGGTGCCAAGGTGCAGAGCTACGAGAAGGAGGAG[G>A]ACCTGCTGCAGGTAGCTCTCGCTCCACGCCCCACACCATTTCCCGGGGTCCCCGCCAGCC-3'
Protein context (NP_002682.2, residues 366-386): AKVQSYEKEE[Asp376Asn]LLQAWSTFIR